The following is an entry in ClinVar:

ClinVar aggregate classification (germline): Likely benign (0 of 4 stars; one submission).

Conditions:
KIF26B-related disorder. Also called: KIF26B-related condition.

Allele frequency attached by ClinVar (database versions not stated): TOPMed 0.00173; ESP Exome Variant Server 0.00197; gnomAD 0.00225; ExAC 0.00317.
gnomAD v4.1: 3,979 of 1,610,744 alleles (0.25%); highest among the groups gnomAD compares: Non-Finnish European, 0.28%; 8 homozygotes.

Submission:

PreventionGenetics, part of Exact Sciences
Classification: Likely benign for KIF26B-related condition. Last evaluated: 2019-11-18. Review status: no assertion criteria provided. Collection method: clinical testing. Allele origin: germline.
Comment: This variant is classified as likely benign based on ACMG/AMP sequence variant interpretation guidelines (Richards et al. 2015 PMID: 25741868, with internal and published modifications).

NM_018012.4(KIF26B):c.3653C>T (p.Ser1218Phe)

Gene: KIF26B (kinesin family member 26B; plus strand). Cytogenetic location: 1q44.
Variant type: single nucleotide variant.
Coding change: c.3653C>T on transcript NM_018012.4 (MANE Select); coding-DNA position 3653, C replaced by T.
Protein change: p.Ser1218Phe; replaces serine 1218 with phenylalanine.
Molecular consequence: missense variant.
Genome position (GRCh38, 1-based): chr1:245,686,636, C>T. VCF-style: chr1-245686636-C-T. GRCh37 (hg19) VCF-style: chr1-245849938-C-T.
Other names: short protein forms S1218F.
Identifiers: ClinVar variation 3039590 (VCV003039590.2), dbSNP rs61753904, ClinGen allele CA1488301.